The following is an entry in ClinVar:

NM_000435.3(NOTCH3):c.3107G>A (p.Arg1036Gln)

Gene: NOTCH3 (notch receptor 3; minus strand). Cytogenetic location: 19p13.12.
Variant type: single nucleotide variant.
Coding change: c.3107G>A on transcript NM_000435.3 (MANE Select); coding-DNA position 3107, G replaced by A.
Protein change: p.Arg1036Gln; replaces arginine 1036 with glutamine.
Molecular consequence: missense variant.
Genome position (GRCh38, 1-based): chr19:15,180,716, C>T on the plus strand (G>A on the coding strand, the complement: NOTCH3 is on the minus strand). VCF-style: chr19-15180716-C-T. GRCh37 (hg19) VCF-style: chr19-15291527-C-T.
Other names: c.3107G>A (NM_000435.2); short protein forms R1036Q.
Identifiers: ClinVar variation 1906147 (VCV001906147.6), dbSNP rs756527298, ClinGen allele CA9263186.

ClinVar aggregate classification (germline): Conflicting classifications of pathogenicity. Review status: criteria provided, conflicting classifications (1 of 4 stars). 2 submissions from 2 submitters: Uncertain significance (1); Likely benign (1). Last evaluated 2025-12-31.

Conditions:
Inborn genetic diseases. Identifiers: MedGen C0950123, MeSH D030342.

Allele frequency attached by ClinVar (database versions not stated): TOPMed below 0.00001; gnomAD exomes 0.00001.

Submissions (2):

Ambry Genetics
Classification: Likely benign for Inborn genetic diseases. Last evaluated: 2025-12-31. Review status: criteria provided, single submitter. Criteria: Ambry Variant Classification Scheme 2023. Collection method: clinical testing. Allele origin: germline.

Labcorp Genetics (formerly Invitae), Labcorp
Classification: Uncertain significance. Last evaluated: 2024-12-16. Review status: criteria provided, single submitter. Criteria: Invitae Variant Classification Sherloc (09022015). Collection method: clinical testing. Allele origin: germline.
Comment: This sequence change replaces arginine, which is basic and polar, with glutamine, which is neutral and polar, at codon 1036 of the NOTCH3 protein (p.Arg1036Gln). The frequency data for this variant in the population databases is considered unreliable, as metrics indicate poor data quality at this position in the gnomAD database. This variant has not been reported in the literature in individuals affected with NOTCH3-related conditions. ClinVar contains an entry for this variant (Variation ID: 1906147). Invitae Evidence Modeling of protein sequence and biophysical properties (such as structural, functional, and spatial information, amino acid conservation, physicochemical variation, residue mobility, and thermodynamic stability) indicates that this missense variant is not expected to disrupt NOTCH3 protein function with a negative predictive value of 95%. In summary, the available evidence is currently insufficient to determine the role of this variant in disease. Therefore, it has been classified as a Variant of Uncertain Significance.